The following is an entry in ClinVar:

ClinVar aggregate classification (germline): Pathogenic. Review status: reviewed by expert panel (3 of 4 stars). 2 submissions from 2 submitters: Pathogenic (1). 1 of the submissions does not count toward it. Last evaluated 2019-07-14.

Conditions:
Phenylketonuria (PKU). Also called: Phenylketonuria (PKU); FOLLING DISEASE; OLIGOPHRENIA PHENYLPYRUVICA; Phenylketonurias. Identifiers: Orphanet 716, MedGen C0031485, MONDO:0009861, OMIM 261600. Disease mechanism: loss of function.

Submissions (2):

ClinGen PAH Variant Curation Expert Panel
Classification: Pathogenic for Phenylketonuria. Last evaluated: 2019-07-14. Review status: reviewed by expert panel. Criteria: ClinGen PAH ACMG Specifications v1. Collection method: curation. Allele origin: germline. Inheritance: Autosomal recessive inheritance.
Comment: The c.884C>G (p.S295*) variant in PAH has been reported in 1 individual with PKU, however without indication of complete genotype (PMID:10394930). This variant is absent in population databases, including 1000 Genomes, Exome Sequencing Project (ESP) and the Genome Aggregation database (gnomAD). This is a nonsense variant in exon 8 of 13 in PAH, predicted to undergo nonsense mediated decay with the truncated region critical to protein function. Overall this variant meets criteria to be classified as pathogenic for PAH. ACMG/AMP criteria applied: PM2, PVS1, PP4.

DeBelle Laboratory for Biochemical Genetics, MUHC/MCH RESEARCH INSTITUTE
No classification provided. Review status: no classification provided. Collection method: not provided. Allele origin: not provided. Not counted in ClinVar's aggregate classification.

Literature cited by the submitters: PubMed 10394930 (cited by ClinGen PAH Variant Curation Expert Panel).

NM_000277.3(PAH):c.884C>G (p.Ser295Ter)

Genes: PAH (phenylalanine hydroxylase; minus strand), LOC126861615 (CDK7 strongly-dependent group 2 enhancer GRCh37_chr12:103244689-103245888; plus strand). Cytogenetic location: 12q23.2.
Variant type: single nucleotide variant.
Coding change: c.884C>G on transcript NM_000277.3 (MANE Select); coding-DNA position 884, C replaced by G.
Protein change: p.Ser295Ter; replaces serine 295 with a stop codon.
Molecular consequence: nonsense.
Genome position (GRCh38, 1-based): chr12:102,851,715, G>C on the plus strand (C>G on the coding strand, the complement: PAH is on the minus strand). VCF-style: chr12-102851715-G-C. GRCh37 (hg19) VCF-style: chr12-103245493-G-C.
Other names: c.884C>G, p.Ser295Ter (NM_001354304.2); short protein forms S295*.
Identifiers: ClinVar variation 102884 (VCV000102884.2), dbSNP rs62642910, ClinGen allele CA229834.